The following is an entry in ClinVar:

ClinVar aggregate classification (germline): Benign/Likely benign. Review status: criteria provided, multiple submitters, no conflicts (2 of 4 stars). 4 submissions from 4 submitters: Benign (2); Likely benign (1). 1 of the submissions does not count toward it. Last evaluated 2026-01-15.

Conditions:
DVL3-related disorder. Also called: DVL3-related condition.

Allele frequency attached by ClinVar (database versions not stated): 1000 Genomes Project 30x 0.00172; 1000 Genomes Project 0.00180; ESP Exome Variant Server 0.00261; TOPMed 0.00287; gnomAD exomes 0.00301; gnomAD 0.00305 and 0.00317; ExAC 0.00347.

Submissions (4):

Labcorp Genetics (formerly Invitae), Labcorp
Classification: Benign. Last evaluated: 2026-01-15. Review status: criteria provided, single submitter. Criteria: Invitae Variant Classification Sherloc (09022015). Collection method: clinical testing. Allele origin: germline.

CeGaT Center for Human Genetics Tuebingen
Classification: Likely benign. Last evaluated: 2025-12-01. Review status: criteria provided, single submitter. Criteria: CeGaT Center For Human Genetics Tuebingen Variant Classification Criteria Version 2. Collection method: clinical testing. Allele origin: germline. Affected: yes. Observed: 4 variant alleles.
Comment: DVL3: BP4, BP7, BS2

Breakthrough Genomics
Classification: Benign. Review status: criteria provided, single submitter. Criteria: ACMG Guidelines, 2015. Collection method: not provided. Allele origin: germline. Inheritance: Autosomal dominant inheritance. Affected: yes.

PreventionGenetics, part of Exact Sciences
Classification: Benign for DVL3-related condition. Last evaluated: 2020-03-02. Review status: no assertion criteria provided. Collection method: clinical testing. Allele origin: germline. Not counted in ClinVar's aggregate classification.
Comment: This variant is classified as benign based on ACMG/AMP sequence variant interpretation guidelines (Richards et al. 2015 PMID: 25741868, with internal and published modifications).

NM_004423.4(DVL3):c.306T>A (p.Pro102=)

Gene: DVL3 (dishevelled segment polarity protein 3; plus strand). Cytogenetic location: 3q27.1.
Variant type: single nucleotide variant.
Coding change: c.306T>A on transcript NM_004423.4 (MANE Select); coding-DNA position 306, T replaced by A.
Protein change: p.Pro102=; no amino-acid change (proline 102 retained).
Molecular consequence: synonymous variant.
Genome position (GRCh38, 1-based): chr3:184,164,341, T>A. VCF-style: chr3-184164341-T-A. GRCh37 (hg19) VCF-style: chr3-183882129-T-A.
Identifiers: ClinVar variation 782990 (VCV000782990.34), dbSNP rs142016012, ClinGen allele CA2727037.